The following is an entry in ClinVar:

ClinVar aggregate classification (germline): Pathogenic (1 of 4 stars; one submission).

Conditions:
Metaphyseal chondrodysplasia, McKusick type (CHH). Also called: Cartilage-hair hypoplasia; Cartilage-Hair Hypoplasia (CHH). Identifiers: Orphanet 175, MedGen C0220748, MONDO:0009595, OMIM 250250.

Submission:

Victorian Clinical Genetics Services, Murdoch Childrens Research Institute
Classification: Pathogenic for Metaphyseal chondrodysplasia, McKusick type. Review status: criteria provided, single submitter. Criteria: ACMG Guidelines, 2015. Collection method: clinical testing. Allele origin: paternal. Affected: yes.
Comment: - Non-coding variant with predicted effect. This variant is predicted to result in reduced RMRP transcription. This finding is supported by the literature, and by in-house RNA sequencing data (non-accredited). (PMID: 21396580, 17701897) (SP) - Variant is present in gnomAD <0.01 for a recessive condition (5 heterozygotes, 0 homozygotes). (SP) - Variant is located in the well-established promoter region of the gene. The variant increases the distance between the TATA box and the transcription start site which is normally conserved at 24-26bp. This distance is known to be important for binding of the RNA polymerase III transcription factor complex (PMID: 21396580). (SP) - Other variants comparable to the one identified in this case have very strong previous evidence for pathogenicity. Other similar insertions and duplications in the promoter region have been reported pathogenic in individuals with cartilage-hair hypoplasia and anauxetic dysplasia (PMID: 11207361, 16838329, 21570718, 17189938). (SP) - This variant has limited previous evidence of pathogenicity in an unrelated individual. This variant has been reported as likely pathogenic in ClinVar. (SP) - This variant has moderate functional evidence supporting abnormal function. In-house RNA sequencing data (non-accredited) showed a significant, approximately 2-fold reduction in the RMRP transcript level of this individual's carrier father, consistent with the predicted effects of this variant. RMRP transcript levels in the proband were reduced by approximately 5-fold, consistent with a more pronounced effect of the combined maternal and paternal variants. (SP) - Very strong and specific phenotype match for this individual. (SP) Additional information: - Loss of function is a known mechanism of disease in this gene and is associated with Anauxetic dysplasia 1 (MIM#607095), Cartilage-hair hypoplasia (MIM#250250) and Metaphyseal dysplasia without hypotrichosis (MIM#250460). (I) - This gene is associated with autosomal recessive disease. (I) - Variants in this gene are known to have variable expressivity. Significant, even intrafamilial phenotypic heterogeneity has been reported (PMID: 18804272, 8444246). (I) - This variant is heterozygous. (I)

NR_003051.3(RMRP):n.-5_-4insAACTACTCTGTGAAGCTGA

Gene: RMRP (RNA component of mitochondrial RNA processing endoribonuclease; minus strand). Cytogenetic location: 9p13.3.
Variant type: Insertion.
Genome position: GRCh38 VCF-style: chr9-35658021-G-GTTCAGCTTCACAGAGTAGT. GRCh37 (hg19) VCF-style: chr9-35658018-G-GTTCAGCTTCACAGAGTAGT.
Identifiers: ClinVar variation 2500722 (VCV002500722.1), dbSNP rs1408633343, ClinGen allele CA2580080468.